The following is an entry in ClinVar:

NM_001009944.3(PKD1):c.3262G>C (p.Glu1088Gln)

Gene: PKD1 (polycystin 1, transient receptor potential channel interacting; minus strand). Cytogenetic location: 16p13.3.
Variant type: single nucleotide variant.
Coding change: c.3262G>C on transcript NM_001009944.3 (MANE Select); coding-DNA position 3262, G replaced by C.
Protein change: p.Glu1088Gln; replaces glutamic acid 1088 with glutamine.
Molecular consequence: missense variant.
Genome position (GRCh38, 1-based): chr16:2,112,373, C>G on the plus strand (G>C on the coding strand, the complement: PKD1 is on the minus strand). VCF-style: chr16-2112373-C-G. GRCh37 (hg19) VCF-style: chr16-2162374-C-G.
Other names: c.3262G>C, p.Glu1088Gln (NM_000296.4); short protein forms E1088Q.
Identifiers: ClinVar variation 4984753 (VCV004984753.1).
Genomic context (GRCh38, chr16:2,112,373, plus strand): 5'-TGGCCCCCTCACCCCCTCATCCCTCACCTGGGGCAGCGTAGGTGTGCATGACATTGTGCT[C>G]CACCAGCACCTGGGCCACCGAGGGGTCTGGAACCGGGAAGGACTCGTTGTACGGAGGCTG-3'
Protein context (NP_001009944.3, residues 1078-1098): PDPSVAQVLV[Glu1088Gln]HNVMHTYAAP

ClinVar aggregate classification (germline): Uncertain significance (1 of 4 stars; one submission).

Conditions:
PKD1-related disorder. Also called: PKD1-related condition.

gnomAD v4.1: 3 of 1,587,202 alleles (0.00019%); highest among the groups gnomAD compares: Admixed American, 0.005%; no homozygotes.

Submission:

PreventionGenetics, part of Exact Sciences
Classification: Uncertain significance for PKD1-related condition. Last evaluated: 2025-08-18. Review status: criteria provided, single submitter. Criteria: ACMG Guidelines, 2015. Collection method: clinical testing. Allele origin: germline.
Comment: The PKD1 c.3262G>C variant is predicted to result in the amino acid substitution p.Glu1088Gln. To our knowledge, this variant has not been reported in the literature. This variant is reported in 0.0089% of alleles in individuals of Latino descent in gnomAD. At this time, the clinical significance of this variant is uncertain due to the absence of conclusive functional and genetic evidence.